The following is an entry in ClinVar:

ClinVar aggregate classification (germline): Pathogenic (1 of 4 stars; one submission).

Submission:

Labcorp Genetics (formerly Invitae), Labcorp
Classification: Pathogenic. Last evaluated: 2024-06-11. Review status: criteria provided, single submitter. Criteria: Invitae Variant Classification Sherloc (09022015). Collection method: clinical testing. Allele origin: germline.
Comment: This sequence change affects an acceptor splice site in intron 20 of the OPA1 gene. It is expected to disrupt RNA splicing. Variants that disrupt the donor or acceptor splice site typically lead to a loss of protein function (PMID: 16199547), and loss-of-function variants in OPA1 are known to be pathogenic (PMID: 11440988, 20157015, 20952381, 25012220). This variant is present in population databases (rs754194210, gnomAD 0.0009%). Disruption of this splice site has been observed in individuals with optic atrophy (PMID: 16323009, 33841295). Algorithms developed to predict the effect of sequence changes on RNA splicing suggest that this variant may disrupt the consensus splice site. For these reasons, this variant has been classified as Pathogenic.

Literature cited by the submitters: PubMed 16199547; PubMed 11440988; PubMed 20157015; PubMed 20952381; PubMed 25012220; PubMed 16323009; PubMed 33841295.

NM_130837.3(OPA1):c.2179-2A>G

Gene: OPA1 (OPA1 mitochondrial dynamin like GTPase; plus strand). Cytogenetic location: 3q29.
Variant type: single nucleotide variant.
Coding change: c.2179-2A>G on transcript NM_130837.3 (MANE Select); the canonical splice acceptor site of the intron before coding-DNA position 2179, A replaced by G.
Molecular consequence: splice acceptor variant.
Genome position (GRCh38, 1-based): chr3:193,657,078, A>G. VCF-style: chr3-193657078-A-G. GRCh37 (hg19) VCF-style: chr3-193374867-A-G.
Other names: c.1642-2A>G (NM_001354664.2); c.1645-2A>G (NM_001354663.2); c.2068-2A>G (NM_130834.3); c.2125-2A>G (NM_130836.3); c.2014-2A>G (NM_015560.3); c.2071-2A>G (NM_130835.3); c.1960-2A>G (NM_130832.3); c.2017-2A>G (NM_130833.3); and 1 more.
Identifiers: ClinVar variation 3656297 (VCV003656297.2).